The following is an entry in ClinVar:

ClinVar aggregate classification (germline): Pathogenic/Likely pathogenic. Review status: criteria provided, multiple submitters, no conflicts (2 of 4 stars). 6 submissions from 6 submitters: Pathogenic (3); Likely pathogenic (2). 1 of the submissions does not count toward it. Last evaluated 2024-07-10.

Conditions:
Cystinosis. Also called: Cystine diathesis; Cystine storage disease; Cystinoses. Identifiers: Orphanet 213, MedGen C4316899, MONDO:0016239.
Ocular cystinosis. Also called: Non-Nephropathic (Ocular) Cystinosis; Non-Nephropathic Cystinosis. Identifiers: Orphanet 213, Orphanet 411641, MedGen C2931013, MONDO:0009064, OMIM 219750.
Juvenile nephropathic cystinosis. Also called: Later-Onset (Juvenile) Cystinosis; Intermediate Cystinosis; CYSTINOSIS, LATE-ONSET JUVENILE OR ADOLESCENT NEPHROPATHIC TYPE. Identifiers: Orphanet 213, Orphanet 411634, MedGen C0268626, MONDO:0009066, OMIM 219900.
Inborn genetic diseases. Identifiers: MedGen C0950123, MeSH D030342.
Nephropathic cystinosis (CTNS). Also called: CYSTINOSIN, DEFECT OF; LYSOSOMAL CYSTINE TRANSPORT PROTEIN, DEFECT OF; Abderhalden Lignac Kaufmann disease; Abderhalden-Kaufmann-Lignac syndrome. Identifiers: Orphanet 213, Orphanet 411629, MedGen C2931187, MONDO:0100151, OMIM 219800.

Submissions (6):

Natera, Inc.
Classification: Likely pathogenic for Cystinosis. Last evaluated: 2024-07-10. Review status: criteria provided, single submitter. Criteria: Natera Variant Classification Schema (03/2026). Collection method: clinical testing. Allele origin: germline.
Comment: The c.561+1delG variant in CTNS is a canonical splice donor site variant predicted to affect pre-mRNA splicing, which may result in an abnormal transcript and altered protein product. This variant is expected to result in nonsense mediated decay, truncation, or a dysfunctional protein product. This variant is rare in the general population with a frequency below the threshold expected for the associated phenotype(s). Given the available evidence, this variant is classified as Likely Pathogenic.

Baylor Genetics
Classification: Pathogenic for Nephropathic cystinosis. Last evaluated: 2024-01-07. Review status: criteria provided, single submitter. Criteria: ACMG Guidelines, 2015. Collection method: clinical testing. Allele origin: unknown.

Labcorp Genetics (formerly Invitae), Labcorp
Classification: Pathogenic for Inborn genetic diseases; Ocular cystinosis; Juvenile nephropathic cystinosis. Last evaluated: 2023-02-23. Review status: criteria provided, single submitter. Criteria: Invitae Variant Classification Sherloc (09022015). Collection method: clinical testing. Allele origin: germline.
Comment: This premature translational stop signal has been observed in individual(s) with CTNS-related conditions (PMID: 9537412). This variant is not present in population databases (gnomAD no frequency). This sequence change creates a premature translational stop signal (Splice site) in the CTNS gene. It is expected to result in an absent or disrupted protein product. Loss-of-function variants in CTNS are known to be pathogenic (PMID: 9537412, 27102039). This variant is also known as 900/901+1delG, 561+1del. For these reasons, this variant has been classified as Pathogenic. Algorithms developed to predict the effect of sequence changes on RNA splicing suggest that this variant may disrupt the consensus splice site. ClinVar contains an entry for this variant (Variation ID: 189067).

Fulgent Genetics
Classification: Pathogenic for Ocular cystinosis; Nephropathic cystinosis; Juvenile nephropathic cystinosis. Last evaluated: 2021-06-30. Review status: criteria provided, single submitter. Criteria: ACMG Guidelines, 2015. Collection method: clinical testing. Allele origin: unknown.
Comment: This variant has been detected in individual(s) who were sent for testing of Renasight - kidney gene panel.

Women's Health and Genetics/Laboratory Corporation of America, LabCorp
Classification: Likely pathogenic for Cystinosis. Last evaluated: 2020-04-30. Review status: criteria provided, single submitter. Criteria: LabCorp Variant Classification Summary - May 2015. Collection method: clinical testing. Allele origin: germline.
Comment: Variant summary: CTNS c.561+1delG is located in a canonical splice-site and is predicted to affect mRNA splicing resulting in a significantly altered protein due to either exon skipping, shortening, or inclusion of intronic material. Several computational tools predict a significant impact on normal splicing: Four predict the variant abolishes a cryptic 5 splicing donor site. Four predict the variant creates a 5 donor site. However, these predictions have yet to be confirmed by functional studies. The variant was absent in 250886 control chromosomes (gnomAD). c.561+1delG has been reported in the literature in individuals affected with Cystinosis (Town_1998, Shotelersuk_1998). These data indicate that the variant may be associated with disease. To our knowledge, no experimental evidence demonstrating an impact on protein function has been reported. No clinical diagnostic laboratories have submitted clinical-significance assessments for this variant to ClinVar after 2014. Based on the evidence outlined above, the variant was classified as likely pathogenic.

Counsyl
Classification: Likely pathogenic for Cystinosis. Last evaluated: 2014-11-24. Review status: no assertion criteria provided. Collection method: literature only. Allele origin: unknown. Inheritance: Autosomal recessive inheritance. Not counted in ClinVar's aggregate classification.

Literature cited by the submitters: PubMed 9537412 (cited by 3 submitters); PubMed 27102039 (cited by Labcorp Genetics (formerly Invitae), Labcorp); PubMed 9792862 (cited by Women's Health and Genetics/Laboratory Corporation of America, LabCorp and Counsyl); PubMed 10571941 (cited by Women's Health and Genetics/Laboratory Corporation of America, LabCorp); PubMed 30554218 (cited by Women's Health and Genetics/Laboratory Corporation of America, LabCorp); PubMed 28238446 (cited by Women's Health and Genetics/Laboratory Corporation of America, LabCorp); PubMed 28122645 (cited by Women's Health and Genetics/Laboratory Corporation of America, LabCorp).

NM_004937.3(CTNS):c.561+1del

Genes: CTNS (cystinosin, lysosomal cystine transporter; plus strand), CTNS-AS1 (CTNS antisense RNA 1; minus strand). Cytogenetic location: 17p13.2.
Variant type: Deletion.
Coding change: c.561+1del on transcript NM_004937.3 (MANE Select); the canonical splice donor site of the intron after coding-DNA position 561, one base deleted (G; older notation c.561+1delG).
Molecular consequence: splice donor variant.
Genome position (GRCh38, 1-based): chr17:3,656,587, G deleted; the last of 2 consecutive G bases (chr17:3,656,586-3,656,587); deleting either gives the same sequence. VCF-style (leftmost placement, unchanged base first): chr17-3656585-AG-A. GRCh37 (hg19) VCF-style: chr17-3559879-AG-A.
Other names: c.561del (NM_004937.2); c.561+1del (NM_001031681.3, NM_001374492.1); c.120+1del (NM_001374493.1, NM_001374495.1, NM_001374494.1 and 1 more transcripts).
Identifiers: ClinVar variation 189067 (VCV000189067.18), dbSNP rs786204667, ClinGen allele CA278484.